The following is an entry in ClinVar:

NM_002693.3(POLG):c.29C>T (p.Ala10Val)

Genes: POLG (DNA polymerase gamma, catalytic subunit; minus strand), POLGARF (POLG alternative reading frame; minus strand). Cytogenetic location: 15q26.1.
Variant type: single nucleotide variant.
Coding change: c.29C>T on transcript NM_002693.3 (MANE Select); coding-DNA position 29, C replaced by T.
Protein change: p.Ala10Val; replaces alanine 10 with valine.
Molecular consequence: missense variant.
Genome position (GRCh38, 1-based): chr15:89,333,726, G>A on the plus strand (C>T on the coding strand, the complement: POLG is on the minus strand). VCF-style: chr15-89333726-G-A. GRCh37 (hg19) VCF-style: chr15-89876957-G-A.
Other names: c.29C>T, p.Ala10Val (NM_001126131.2); short protein forms A10V.
Identifiers: ClinVar variation 458708 (VCV000458708.14), dbSNP rs774459114, ClinGen allele CA7725214.

ClinVar aggregate classification (germline): Conflicting classifications of pathogenicity. Review status: criteria provided, conflicting classifications (1 of 4 stars). 3 submissions from 3 submitters: Uncertain significance (1); Likely benign (1). 1 of the submissions does not count toward it. Last evaluated 2026-01-12.

Conditions:
POLG-related disorder. Also called: POLG-Related Spectrum Disorders; POLG-related condition; POLG-Related Disorders. Identifiers: MedGen C4763519.
Progressive sclerosing poliodystrophy (MTDPS4A). Also called: Alpers Syndrome; ALPERS DIFFUSE DEGENERATION OF CEREBRAL GRAY MATTER WITH HEPATIC CIRRHOSIS; Alpers-Huttenlocher Syndrome; Mitochondrial DNA depletion syndrome 4A (Alpers type); Mitochondrial DNA Depletion Syndrome 4A; Alpers-Huttenlocher Syndrome (AHS). Identifiers: Orphanet 726, MedGen C0205710, MONDO:0008758, OMIM 203700.

Allele frequency attached by ClinVar (database versions not stated): ExAC below 0.00001; TOPMed 0.00002; 1000 Genomes Project 30x 0.00016; gnomAD 0.00032 and 0.00033.
gnomAD v4.1: 180 of 1,535,982 alleles (0.012%); highest among the groups gnomAD compares: Non-Finnish European, 0.0044%; no homozygotes.

Submissions (3):

Labcorp Genetics (formerly Invitae), Labcorp
Classification: Likely benign for Progressive sclerosing poliodystrophy. Last evaluated: 2026-01-12. Review status: criteria provided, single submitter. Criteria: Invitae Variant Classification Sherloc (09022015). Collection method: clinical testing. Allele origin: germline.

Blueprint Genetics
Classification: Uncertain significance. Last evaluated: 2024-06-10. Review status: criteria provided, single submitter. Criteria: ACMG Guidelines, 2015. Collection method: clinical testing. Allele origin: germline.

PreventionGenetics, part of Exact Sciences
Classification: Likely benign for POLG-related condition. Last evaluated: 2024-09-11. Review status: no assertion criteria provided. Collection method: clinical testing. Allele origin: germline. Not counted in ClinVar's aggregate classification.
Comment: This variant is classified as likely benign based on ACMG/AMP sequence variant interpretation guidelines (Richards et al. 2015 PMID: 25741868, with internal and published modifications).